The following is an entry in ClinVar:

NM_003859.3(DPM1):c.295+15C>T

Gene: DPM1 (dolichyl-phosphate mannosyltransferase subunit 1, catalytic; minus strand). Cytogenetic location: 20q13.13.
Variant type: single nucleotide variant.
Coding change: c.295+15C>T on transcript NM_003859.3 (MANE Select); 15 bases into the intron after coding-DNA position 295, C replaced by T.
Molecular consequence: intron variant.
Genome position (GRCh38, 1-based): chr20:50,948,614, G>A on the plus strand (C>T on the coding strand, the complement: DPM1 is on the minus strand). VCF-style: chr20-50948614-G-A. GRCh37 (hg19) VCF-style: chr20-49565151-G-A.
Other names: c.295+15C>T (NM_001317036.1, NM_001317035.1, NM_001317034.1).
Identifiers: ClinVar variation 517961 (VCV000517961.1), dbSNP rs1424759508, ClinGen allele CA635764675.

ClinVar aggregate classification (germline): Likely benign (1 of 4 stars; one submission).

Allele frequency attached by ClinVar (database versions not stated): gnomAD exomes below 0.00001; gnomAD 0.00001; TOPMed 0.00001.
gnomAD v4.1: 2 of 1,613,252 alleles (0.00012%); highest among the groups gnomAD compares: African/African-American, 0.0027%; no homozygotes.

Submission:

GeneDx
Classification: Likely benign. Last evaluated: 2017-06-13. Review status: criteria provided, single submitter. Criteria: GeneDx Variant Classification (06012015). Collection method: clinical testing. Allele origin: germline. Affected: yes.
Comment: This variant is considered likely benign or benign based on one or more of the following criteria: it is a conservative change, it occurs at a poorly conserved position in the protein, it is predicted to be benign by multiple in silico algorithms, and/or has population frequency not consistent with disease.